The following is an entry in ClinVar:

ClinVar aggregate classification (germline): Pathogenic/Likely pathogenic. Review status: criteria provided, multiple submitters, no conflicts (2 of 4 stars). 4 submissions from 4 submitters: Pathogenic (2); Likely pathogenic (1). 1 of the submissions does not count toward it. Last evaluated 2023-04-29.

Conditions:
Usher syndrome type 1D (USH1D). Also called: USHER SYNDROME, TYPE ID. Identifiers: Orphanet 231169, Orphanet 886, MedGen C1832845, MONDO:0010984, OMIM 601067.
Retinal dystrophy. Also called: Inherited retinal dystrophy. Identifiers: Orphanet 71862, MedGen C0854723, MeSH D058499, MONDO:0019118, HP:0000556.
CDH23-related disorder. Also called: CDH23-related condition; CDH23-related disorders.

Submissions (4):

Labcorp Genetics (formerly Invitae), Labcorp
Classification: Pathogenic. Last evaluated: 2023-04-29. Review status: criteria provided, single submitter. Criteria: Invitae Variant Classification Sherloc (09022015). Collection method: clinical testing. Allele origin: germline.
Comment: ClinVar contains an entry for this variant (Variation ID: 1805315). For these reasons, this variant has been classified as Pathogenic. This variant has not been reported in the literature in individuals affected with CDH23-related conditions. This variant is not present in population databases (gnomAD no frequency). This sequence change creates a premature translational stop signal (p.Phe3083Cysfs*36) in the CDH23 gene. It is expected to result in an absent or disrupted protein product. Loss-of-function variants in CDH23 are known to be pathogenic (PMID: 11138009, 21940737).

Victorian Clinical Genetics Services, Murdoch Childrens Research Institute
Classification: Pathogenic for Usher syndrome type 1D. Last evaluated: 2020-05-21. Review status: criteria provided, single submitter. Criteria: ACMG Guidelines, 2015. Collection method: clinical testing. Allele origin: germline. Inheritance: Autosomal recessive inheritance. Affected: yes.
Comment: A heterozygous deletion variant was identified, NM_022124.5(CDH23):c.9246_9247del in exon 64 of 70 of the CDH23 gene. (NB: This variant is non-coding in alternative transcripts). This deletion is predicted to cause a frameshift from amino acid position 3083 introducing a stop codon downstream; NP_071407.4(CDH23):p.(Phe3083Cysfs*36), resulting in loss of normal protein function through nonsense-mediated decay (NMD). The variant is not present in the gnomAD population database. The variant has not been previously observed in clinical cases. Other variants predicted to cause NMD have been reported as pathogenic in individuals with Usher syndrome (ClinVar, Bujakowska, K. M. et al. (2014)). Based on information available at the time of curation, this variant has been classified as PATHOGENIC. Legend: (P) - Pathogenic, (N) - Neutral, (B) - Benign

Blueprint Genetics
Classification: Likely pathogenic for CDH23-related disorders. Last evaluated: 2019-11-22. Review status: criteria provided, single submitter. Criteria: ACMG Guidelines, 2015. Collection method: clinical testing. Allele origin: germline. Affected: yes. Observed: 1 variant allele.

Institute of Human Genetics, Univ. Regensburg, Univ. Regensburg
Classification: Pathogenic for Retinal dystrophy. Last evaluated: 2020-01-01. Review status: no assertion criteria provided. Criteria: ACMG Guidelines, 2015. Collection method: clinical testing. Allele origin: germline. Affected: yes. Not counted in ClinVar's aggregate classification.

Literature cited by the submitters: PubMed 11138009 (cited by Labcorp Genetics (formerly Invitae), Labcorp); PubMed 21940737 (cited by Labcorp Genetics (formerly Invitae), Labcorp); PubMed 25468891 (cited by Victorian Clinical Genetics Services, Murdoch Childrens Research Institute).

NM_022124.6(CDH23):c.9246_9247del (p.Phe3083fs)

Gene: CDH23 (cadherin related 23; plus strand). Cytogenetic location: 10q22.1.
Variant type: Microsatellite.
Coding change: c.9246_9247del on transcript NM_022124.6 (MANE Select); coding-DNA positions 9246 to 9247, 2 bases deleted (CT; older notation c.9246_9247delCT).
Protein change: p.Phe3083fs; shifts the reading frame from phenylalanine 3083.
Molecular consequence: frameshift variant.
Genome position (GRCh38, 1-based): chr10:71,811,558-71,811,559, CT deleted; deleting any 2 consecutive bases within chr10:71,811,556-71,811,559 gives the same sequence; the c. name uses the placement nearest the transcript's 3' end. VCF-style (leftmost placement, unchanged base first): chr10-71811555-GCT-G. GRCh37 (hg19) VCF-style: chr10-73571312-GCT-G.
Other names: c.2526_2527del, p.Phe843fs (NM_001171933.1, NM_001171934.1); short protein forms F3083fs, F843fs.
Identifiers: ClinVar variation 1805315 (VCV001805315.8), dbSNP rs1841926049, ClinGen allele CA923726174.